The following is an entry in ClinVar:

ClinVar aggregate classification (germline): Uncertain significance (1 of 4 stars; one submission).

Conditions:
Inborn genetic diseases. Identifiers: MedGen C0950123, MeSH D030342.

Submission:

Ambry Genetics
Classification: Uncertain significance for Inborn genetic diseases. Last evaluated: 2025-08-14. Review status: criteria provided, single submitter. Criteria: Ambry Variant Classification Scheme 2023. Collection method: clinical testing. Allele origin: germline.
Comment: The p.E317K variant (also known as c.949G>A), located in coding exon 9 of the ANKRD26 gene, results from a G to A substitution at nucleotide position 949. The glutamic acid at codon 317 is replaced by lysine, an amino acid with similar properties. This amino acid position is conserved. In addition, this alteration is predicted to be tolerated by in silico analysis. Based on the available evidence, the clinical significance of this variant remains unclear.

NM_014915.3(ANKRD26):c.949G>A (p.Glu317Lys)

Gene: ANKRD26 (ankyrin repeat domain containing 26; minus strand). Cytogenetic location: 10p12.1.
Variant type: single nucleotide variant.
Coding change: c.949G>A on transcript NM_014915.3 (MANE Select); coding-DNA position 949, G replaced by A.
Protein change: p.Glu317Lys; replaces glutamic acid 317 with lysine.
Molecular consequence: missense variant.
Genome position (GRCh38, 1-based): chr10:27,077,466, C>T on the plus strand (G>A on the coding strand, the complement: ANKRD26 is on the minus strand). VCF-style: chr10-27077466-C-T. GRCh37 (hg19) VCF-style: chr10-27366395-C-T.
Other names: c.949G>A, p.Glu317Lys (NM_001256053.2); short protein forms E317K.
Identifiers: ClinVar variation 4104209 (VCV004104209.1).